The following is an entry in ClinVar:

NM_194454.3(KRIT1):c.1927C>T (p.Gln643Ter)

Gene: KRIT1 (KRIT1 ankyrin repeat containing; minus strand). Cytogenetic location: 7q21.2.
Variant type: single nucleotide variant.
Coding change: c.1927C>T on transcript NM_194454.3 (MANE Select); coding-DNA position 1927, C replaced by T.
Protein change: p.Gln643Ter; replaces glutamine 643 with a stop codon.
Molecular consequence: nonsense.
Genome position (GRCh38, 1-based): chr7:92,213,293, G>A on the plus strand (C>T on the coding strand, the complement: KRIT1 is on the minus strand). VCF-style: chr7-92213293-G-A. GRCh37 (hg19) VCF-style: chr7-91842607-G-A.
Other names: c.1927C>T, p.Gln643Ter (NM_001350673.1, NM_001350674.1, NM_001350675.1 and 26 more transcripts); c.1783C>T, p.Gln595Ter (NM_001013406.2, NM_001350669.1, NM_001350670.1); c.1213C>T, p.Gln405Ter (NM_001350671.1); short protein forms Q643*, Q595*, Q405*.
Identifiers: ClinVar variation 590726 (VCV000590726.8), dbSNP rs1563240592, ClinGen allele CA368139866.
Genomic context (GRCh38, chr7:92,213,293, plus strand): 5'-TCACTCCTACATACACAGGGATGACTTTATGATTGCTGGGGCTTGCCTTTGTAAATATCT[G>A]TCCTGTGAAAAATGCTGCTCCATAAGTAGGAATTTCCCAGCAATTCTGTAAGAACATGCG-3'

ClinVar aggregate classification (germline): Pathogenic/Likely pathogenic. Review status: criteria provided, multiple submitters, no conflicts (2 of 4 stars). 4 submissions from 4 submitters: Pathogenic (2); Likely pathogenic (2). Last evaluated 2026-02-23.

Conditions:
Cerebral cavernous malformation (CCM). Also called: CAVERNOUS ANGIOMA, FAMILIAL; CAVERNOUS ANGIOMATOUS MALFORMATIONS; CEREBRAL CAPILLARY MALFORMATIONS; Cavernous Hemangioma of Brain; Cerebral cavernous hemangioma (type); Cerebral cavernous malformations. Identifiers: Orphanet 221061, MedGen C2919945, MONDO:0000820, OMIM 116860, HP:0033522.

Allele frequency attached by ClinVar (database versions not stated): gnomAD exomes below 0.00001.
gnomAD v4.1: 1 of 1,613,060 alleles (0.000062%); highest among the groups gnomAD compares: Admixed American, 0.0017%; no homozygotes.

Submissions (4):

Dasa
Classification: Pathogenic. Last evaluated: 2026-02-23. Review status: criteria provided, single submitter. Criteria: DASA Assertion Criteria. Collection method: clinical testing. Allele origin: germline.
Comment: NM_194454.3(KRIT1):c.1927C>T (p.Gln643*) introduces a premature termination codon predicted to result in loss of normal protein function. Loss-of-function is an established mechanism of disease for this gene. This variant has been recurrently observed in individuals with related phenotype (PMID: 27790124; PMID: 24689081). The variant is present at low frequency in population datasets. Based on the available data, this variant is classified as pathogenic.

Labcorp Genetics (formerly Invitae), Labcorp
Classification: Pathogenic for Cerebral cavernous malformation. Last evaluated: 2023-10-05. Review status: criteria provided, single submitter. Criteria: Invitae Variant Classification Sherloc (09022015). Collection method: clinical testing. Allele origin: germline.
Comment: This sequence change creates a premature translational stop signal (p.Gln643*) in the KRIT1 gene. It is expected to result in an absent or disrupted protein product. Loss-of-function variants in KRIT1 are known to be pathogenic (PMID: 10508515, 11222804, 12404106, 24689081). This variant is not present in population databases (gnomAD no frequency). This premature translational stop signal has been observed in individual(s) with cerebral cavernous malformations (PMID: 27790124, 34558799). ClinVar contains an entry for this variant (Variation ID: 590726). For these reasons, this variant has been classified as Pathogenic.

Provincial Medical Genetics Program of British Columbia, University of British Columbia
Classification: Likely pathogenic for Cerebral cavernous malformation. Last evaluated: 2022-01-01. Review status: criteria provided, single submitter. Criteria: ACMG Guidelines, 2015. Collection method: clinical testing. Allele origin: germline. Affected: yes.

PreventionGenetics, part of Exact Sciences
Classification: Likely pathogenic. Last evaluated: 2016-04-20. Review status: criteria provided, single submitter. Criteria: ACMG Guidelines, 2015. Collection method: clinical testing. Allele origin: germline.

Literature cited by the submitters: PubMed 27790124 (cited by Dasa and Labcorp Genetics (formerly Invitae), Labcorp); PubMed 24689081 (cited by Dasa and Labcorp Genetics (formerly Invitae), Labcorp); PubMed 10508515 (cited by Labcorp Genetics (formerly Invitae), Labcorp); PubMed 11222804 (cited by Labcorp Genetics (formerly Invitae), Labcorp); PubMed 12404106 (cited by Labcorp Genetics (formerly Invitae), Labcorp); PubMed 34558799 (cited by Labcorp Genetics (formerly Invitae), Labcorp).